The following is an entry in ClinVar:

ClinVar aggregate classification (germline): Uncertain significance. Review status: criteria provided, multiple submitters, no conflicts (2 of 4 stars). 5 submissions from 4 submitters: Uncertain significance (5). Last evaluated 2023-10-15.

Conditions:
Seckel syndrome 1 (SCKL1). Also called: MICROCEPHALIC PRIMORDIAL DWARFISM I. Identifiers: Orphanet 808, MedGen C4551474, MONDO:0008869, OMIM 210600.
Inborn genetic diseases. Identifiers: MedGen C0950123, MeSH D030342.
Familial cutaneous telangiectasia and oropharyngeal predisposition cancer syndrome. Identifiers: Orphanet 313846, MedGen C3281203, MONDO:0013806, OMIM 614564.

Allele frequency attached by ClinVar (database versions not stated): gnomAD exomes below 0.00001 and 0.00001; gnomAD 0.00001; TOPMed 0.00001; ExAC 0.00002.
gnomAD v4.1: 6 of 1,613,982 alleles (0.00037%); highest among the groups gnomAD compares: African/African-American, 0.0013%; no homozygotes.

Submissions (5):

Ambry Genetics
Classification: Uncertain significance for Inborn genetic diseases. Last evaluated: 2023-10-15. Review status: criteria provided, single submitter. Criteria: Ambry Variant Classification Scheme 2023. Collection method: clinical testing. Allele origin: germline.
Comment: The p.A2030V variant (also known as c.6089C>T), located in coding exon 36 of the ATR gene, results from a C to T substitution at nucleotide position 6089. The alanine at codon 2030 is replaced by valine, an amino acid with similar properties. This amino acid position is conserved. In addition, this alteration is predicted to be tolerated by in silico analysis. Since supporting evidence is limited at this time, the clinical significance of this alteration remains unclear.

Genome-Nilou Lab
Classification: Uncertain significance for Seckel syndrome 1. Last evaluated: 2023-02-08. Review status: criteria provided, single submitter. Criteria: ACMG Guidelines, 2015. Collection method: clinical testing. Allele origin: germline.

Genome-Nilou Lab
Classification: Uncertain significance for Familial cutaneous telangiectasia and oropharyngeal predisposition cancer syndrome. Last evaluated: 2023-02-08. Review status: criteria provided, single submitter. Criteria: ACMG Guidelines, 2015. Collection method: clinical testing. Allele origin: germline.

Labcorp Genetics (formerly Invitae), Labcorp
Classification: Uncertain significance. Last evaluated: 2021-11-10. Review status: criteria provided, single submitter. Criteria: Invitae Variant Classification Sherloc (09022015). Collection method: clinical testing. Allele origin: germline.
Comment: This sequence change replaces alanine, which is neutral and non-polar, with valine, which is neutral and non-polar, at codon 2030 of the ATR protein (p.Ala2030Val). This variant is present in population databases (rs755650081, gnomAD 0.002%). This variant has not been reported in the literature in individuals affected with ATR-related conditions. ClinVar contains an entry for this variant (Variation ID: 1098629). Algorithms developed to predict the effect of missense changes on protein structure and function (SIFT, PolyPhen-2, Align-GVGD) all suggest that this variant is likely to be tolerated. In summary, the available evidence is currently insufficient to determine the role of this variant in disease. Therefore, it has been classified as a Variant of Uncertain Significance.

New York Genome Center
Classification: Uncertain significance for Seckel syndrome 1. Last evaluated: 2020-07-03. Review status: criteria provided, single submitter. Criteria: NYGC Assertion Criteria 2020. Collection method: clinical testing. Allele origin: germline. Observed: 1 heterozygote. Study: CSER-NYCKidSeq.

NM_001184.4(ATR):c.6089C>T (p.Ala2030Val)

Genes: ATR (ATR checkpoint kinase; minus strand), LOC126806830 (BRD4-independent group 4 enhancer GRCh37_chr3:142203676-142204875; plus strand). Cytogenetic location: 3q23.
Variant type: single nucleotide variant.
Coding change: c.6089C>T on transcript NM_001184.4 (MANE Select); coding-DNA position 6089, C replaced by T.
Protein change: p.Ala2030Val; replaces alanine 2030 with valine.
Molecular consequence: missense variant.
Genome position (GRCh38, 1-based): chr3:142,485,272, G>A on the plus strand (C>T on the coding strand, the complement: ATR is on the minus strand). VCF-style: chr3-142485272-G-A. GRCh37 (hg19) VCF-style: chr3-142204114-G-A.
Other names: c.5897C>T, p.Ala1966Val (NM_001354579.2); c.6089C>T (NM_001184.3); short protein forms A1966V, A2030V.
Identifiers: ClinVar variation 1098629 (VCV001098629.6), dbSNP rs755650081, ClinGen allele CA2649410.